The following is an entry in ClinVar:

NM_001369.3(DNAH5):c.6182dup (p.Ser2062fs)

Gene: DNAH5 (dynein axonemal heavy chain 5; minus strand). Cytogenetic location: 5p15.2.
Variant type: Duplication.
Coding change: c.6182dup on transcript NM_001369.3 (MANE Select); coding-DNA position 6182, one base duplicated (A; older notation c.6182dupA).
Protein change: p.Ser2062fs; shifts the reading frame from serine 2062.
Molecular consequence: frameshift variant.
Genome position (GRCh38, 1-based): chr5:13,830,093, T duplicated on the plus strand (A on the coding strand, the reverse complement: DNAH5 is on the minus strand); the first of 5 consecutive T bases (chr5:13,830,093-13,830,097); duplicating any one gives the same sequence. VCF-style (leftmost placement, unchanged base first): chr5-13830092-C-CT. GRCh37 (hg19) VCF-style: chr5-13830201-C-CT.
Other names: short protein forms S2062fs.
Identifiers: ClinVar variation 5012422 (VCV005012422.1).

ClinVar aggregate classification (germline): Pathogenic (1 of 4 stars; one submission).

Conditions:
Primary ciliary dyskinesia 3. Identifiers: Orphanet 244, MedGen C1837618, MONDO:0012085, OMIM 608644.

Submission:

Myriad Genetics, Inc.
Classification: Pathogenic for Primary ciliary dyskinesia 3. Last evaluated: 2023-10-25. Review status: criteria provided, single submitter. Criteria: Myriad Autosomal Dominant, Autosomal Recessive and X-Linked Classification Criteria (2023). Collection method: clinical testing. Allele origin: unknown.
Comment: NM_001369.2(DNAH5):c.6182dupA(S2062Vfs*6) is expected to be pathogenic in the context of primary ciliary dyskinesia, DNAH5-related. This variant is predicted to lead to an abnormal or absent protein product due to the creation of a premature termination codon in DNAH5, a gene where loss-of-function variants are known to be pathogenic. Please note: this variant was assessed in the context of healthy population screening.